The following is an entry in ClinVar:

NM_198525.3(KIF7):c.3430C>T (p.Arg1144Trp)

Genes: KIF7 (kinesin family member 7; minus strand), LOC126862216 (BRD4-independent group 4 enhancer GRCh37_chr15:90171995-90173194; plus strand). Cytogenetic location: 15q26.1.
Variant type: single nucleotide variant.
Coding change: c.3430C>T on transcript NM_198525.3 (MANE Select); coding-DNA position 3430, C replaced by T.
Protein change: p.Arg1144Trp; replaces arginine 1144 with tryptophan.
Molecular consequence: missense variant.
Genome position (GRCh38, 1-based): chr15:89,629,462, G>A on the plus strand (C>T on the coding strand, the complement: KIF7 is on the minus strand). VCF-style: chr15-89629462-G-A. GRCh37 (hg19) VCF-style: chr15-90172693-G-A.
Other names: short protein forms R1144W.
Identifiers: ClinVar variation 1422629 (VCV001422629.5), dbSNP rs571807299, ClinGen allele CA7727711.
Genomic context (GRCh38, chr15:89,629,462, plus strand): 5'-TGTTCTGCTCGTGCTCCTTCTGCTGCAGGGTCAGCTGGCGGTCCATCTCCAGGCGCTGCC[G>A]CTCCAGGGCCACCTCCAGCCAGTACACCAGCCTCTGCTGCTCCTCCAGCTGCATCTCCAG-3'
Protein context (NP_940927.2, residues 1134-1154): LVYWLEVALE[Arg1144Trp]QRLEMDRQLT

ClinVar aggregate classification (germline): Uncertain significance. Review status: criteria provided, multiple submitters, no conflicts (2 of 4 stars). 3 submissions from 3 submitters: Uncertain significance (3). Last evaluated 2024-01-24.

Conditions:
Acrocallosal syndrome (ACLS). Also called: HALLUX DUPLICATION, POSTAXIAL POLYDACTYLY, AND ABSENCE OF CORPUS CALLOSUM; Schinzel syndrome 1; Absence of corpus callosum with unusual facial appearance, mental deficiency, duplication of the halluces and polydactyly. Identifiers: Orphanet 36, MedGen C0796147, MONDO:0008708, OMIM 200990.
Multiple epiphyseal dysplasia, Al-Gazali type. Also called: Macrocephaly with multiple epiphyseal dysplasia and distinctive facies. Identifiers: Orphanet 166024, MedGen C1846722, MONDO:0011778, OMIM 607131.
Hydrolethalus syndrome 2 (HLS2). Identifiers: Orphanet 2189, MedGen C3279899, MONDO:0013585, OMIM 614120.

Allele frequency attached by ClinVar (database versions not stated): TOPMed below 0.00001; gnomAD exomes 0.00001; ExAC 0.00002; gnomAD 0.00002 and 0.00003; 1000 Genomes Project 30x 0.00016; 1000 Genomes Project 0.00020.
gnomAD v4.1: 20 of 1,609,806 alleles (0.0012%); highest among the groups gnomAD compares: Admixed American, 0.005%; no homozygotes.

Submissions (3):

Fulgent Genetics
Classification: Uncertain significance for Acrocallosal syndrome; Multiple epiphyseal dysplasia, Al-Gazali type; Hydrolethalus syndrome 2. Last evaluated: 2024-01-24. Review status: criteria provided, single submitter. Criteria: ACMG Guidelines, 2015. Collection method: clinical testing. Allele origin: germline.

Labcorp Genetics (formerly Invitae), Labcorp
Classification: Uncertain significance for Acrocallosal syndrome. Last evaluated: 2022-07-06. Review status: criteria provided, single submitter. Criteria: Invitae Variant Classification Sherloc (09022015). Collection method: clinical testing. Allele origin: germline.
Comment: This sequence change replaces arginine, which is basic and polar, with tryptophan, which is neutral and slightly polar, at codon 1144 of the KIF7 protein (p.Arg1144Trp). This variant is present in population databases (rs571807299, gnomAD 0.006%). This variant has not been reported in the literature in individuals affected with KIF7-related conditions. ClinVar contains an entry for this variant (Variation ID: 1422629). Algorithms developed to predict the effect of missense changes on protein structure and function (SIFT, PolyPhen-2, Align-GVGD) all suggest that this variant is likely to be disruptive. In summary, the available evidence is currently insufficient to determine the role of this variant in disease. Therefore, it has been classified as a Variant of Uncertain Significance.

Blueprint Genetics
Classification: Uncertain significance. Last evaluated: 2020-09-14. Review status: criteria provided, single submitter. Criteria: ACMG Guidelines, 2015. Collection method: clinical testing. Allele origin: germline.